The following is an entry in ClinVar:

ClinVar aggregate classification (germline): Uncertain significance. Review status: criteria provided, multiple submitters, no conflicts (2 of 4 stars). 2 submissions from 2 submitters: Uncertain significance (2). Last evaluated 2025-12-15.

Conditions:
Inborn genetic diseases. Identifiers: MedGen C0950123, MeSH D030342.
Hereditary spastic paraplegia 50 (SPG50). Also called: Spastic paraplegia 50, autosomal recessive. Identifiers: Orphanet 280763, MedGen C2752008, MONDO:0013048, OMIM 612936.

Allele frequency attached by ClinVar (database versions not stated): gnomAD 0.00001; TOPMed 0.00001; gnomAD exomes 0.00005; ESP Exome Variant Server 0.00008.
gnomAD v4.1: 66 of 1,613,058 alleles (0.0041%); highest among the groups gnomAD compares: Non-Finnish European, 0.0054%; no homozygotes.

Submissions (2):

Ambry Genetics
Classification: Uncertain significance for Inborn genetic diseases. Last evaluated: 2025-12-15. Review status: criteria provided, single submitter. Criteria: Ambry Variant Classification Scheme 2023. Collection method: clinical testing. Allele origin: germline.

Labcorp Genetics (formerly Invitae), Labcorp
Classification: Uncertain significance for Hereditary spastic paraplegia 50. Last evaluated: 2021-08-28. Review status: criteria provided, single submitter. Criteria: Invitae Variant Classification Sherloc (09022015). Collection method: clinical testing. Allele origin: germline.
Comment: This sequence change replaces serine with arginine at codon 171 of the AP4M1 protein (p.Ser171Arg). The serine residue is highly conserved and there is a moderate physicochemical difference between serine and arginine. This variant is not present in population databases (ExAC no frequency). This variant has not been reported in the literature in individuals affected with AP4M1-related conditions. Algorithms developed to predict the effect of missense changes on protein structure and function are either unavailable or do not agree on the potential impact of this missense change (SIFT: "Deleterious"; PolyPhen-2: "Benign"; Align-GVGD: "Class C15"). In summary, the available evidence is currently insufficient to determine the role of this variant in disease. Therefore, it has been classified as a Variant of Uncertain Significance.

NM_004722.4(AP4M1):c.513C>G (p.Ser171Arg)

Gene: AP4M1 (adaptor related protein complex 4 subunit mu 1; plus strand). Cytogenetic location: 7q22.1.
Variant type: single nucleotide variant.
Coding change: c.513C>G on transcript NM_004722.4 (MANE Select); coding-DNA position 513, C replaced by G.
Protein change: p.Ser171Arg; replaces serine 171 with arginine.
Molecular consequence: missense variant.
Genome position (GRCh38, 1-based): chr7:100,103,662, C>G. VCF-style: chr7-100103662-C-G. GRCh37 (hg19) VCF-style: chr7-99701285-C-G.
Other names: c.534C>G, p.Ser178Arg (NM_001363671.2); short protein forms S171R, S178R.
Identifiers: ClinVar variation 943341 (VCV000943341.9), dbSNP rs374978880, ClinGen allele CA163214998.
Genomic context (GRCh38, chr7:100,103,662, plus strand): 5'-TGCTTTACAGTTTGGGGCTGAGACACAACAGAGCAAAGTGGCCCCCAGCAGTGCAGCCAG[C>G]CGCCCCGTCCTGTCCAGTCGCTCTGACCAGGTGAGGGAAGGATCCATGGGGTCAGACGCT-3'
Protein context (NP_004713.2, residues 161-181): QSKVAPSSAA[Ser171Arg]RPVLSSRSDQ